The following is an entry in ClinVar:

NM_006766.5(KAT6A):c.2604G>C (p.Trp868Cys)

Gene: KAT6A (lysine acetyltransferase 6A; minus strand). Cytogenetic location: 8p11.21.
Variant type: single nucleotide variant.
Coding change: c.2604G>C on transcript NM_006766.5 (MANE Select); coding-DNA position 2604, G replaced by C.
Protein change: p.Trp868Cys; replaces tryptophan 868 with cysteine.
Molecular consequence: missense variant.
Genome position (GRCh38, 1-based): chr8:41,941,277, C>G on the plus strand (G>C on the coding strand, the complement: KAT6A is on the minus strand). VCF-style: chr8-41941277-C-G. GRCh37 (hg19) VCF-style: chr8-41798795-C-G.
Other names: short protein forms W868C.
Identifiers: ClinVar variation 1793711 (VCV001793711.9), dbSNP rs376546146, ClinGen allele CA4729869.
Genomic context (GRCh38, chr8:41,941,277, plus strand): 5'-CAAGAGCAGTTTAGAATCTTTATCACCAAAACGTTCCTGGGTTTTTCTGTTCTTCCTCCC[C>G]CAGCGGCCCCTCCGAGATGGCTGGCTATTTGCAGGAAGACTATCATGAGGAAGGACTTGT-3'
Protein context (NP_006757.2, residues 858-878): ANSQPSRRGR[Trp868Cys]GRKNRKTQER

ClinVar aggregate classification (germline): Benign/Likely benign. Review status: criteria provided, multiple submitters, no conflicts (2 of 4 stars). 3 submissions from 3 submitters: Benign (1); Likely benign (2). Last evaluated 2026-03-13.

Conditions:
Inborn genetic diseases. Identifiers: MedGen C0950123, MeSH D030342.

Allele frequency attached by ClinVar (database versions not stated): ExAC 0.00002; ESP Exome Variant Server 0.00008.
gnomAD v4.1: 18 of 1,613,884 alleles (0.0011%); highest among the groups gnomAD compares: Middle Eastern, 0.033%; no homozygotes.

Submissions (3):

Women's Health and Genetics/Laboratory Corporation of America, LabCorp
Classification: Likely benign. Last evaluated: 2026-03-13. Review status: criteria provided, single submitter. Criteria: LabCorp Variant Classification Summary - May 2015. Collection method: clinical testing. Allele origin: germline.
Comment: Variant summary: KAT6A c.2604G>C (p.Trp868Cys) results in a non-conservative amino acid change in the encoded protein sequence. Algorithms developed to predict the effect of missense changes on protein structure and function are either unavailable or do not agree on the potential impact of this missense change. The variant allele was found at a frequency of 1e-05 in 1606892 control chromosomes, predominantly at a frequency of 0.00016 within the African or African-American subpopulation in the gnomAD database. The occurrence in several carriers suggests that this variant is likely not associated with a high penetrance, severe, early onset disease phenotype in heterozygous state. The variant, c.2604G>C, has been observed in homozygous state in a child affected with short stature, dysmorphic facial features, bilateral sensorineural hearing loss and developmental delay (DD), where most of the phenotype was explained by co-occurring variants (Akalin_2022), while the DD component of this complex clinical picture remained unexplained by the other variants. This report does not provide unequivocal conclusions about association of the variant with Arboleda-Tham Syndrome. To our knowledge, no experimental evidence demonstrating an impact on protein function has been reported. However, sequence comparison with other vertebrate species indicates the variant is located to a moderately conserved region, and the Trp to Cys substitution at this codon is phylogenetically not constrained (e.g. PMID 29358731). The following publication have been ascertained in the context of this evaluation (PMID: 36660029). ClinVar contains an entry for this variant (Variation ID: 1793711). Based on the evidence outlined above, the variant was classified as likely benign.

Labcorp Genetics (formerly Invitae), Labcorp
Classification: Benign. Last evaluated: 2025-05-04. Review status: criteria provided, single submitter. Criteria: Invitae Variant Classification Sherloc (09022015). Collection method: clinical testing. Allele origin: germline.

Ambry Genetics
Classification: Likely benign for Inborn genetic diseases. Last evaluated: 2025-01-08. Review status: criteria provided, single submitter. Criteria: Ambry Variant Classification Scheme 2023. Collection method: clinical testing. Allele origin: germline.

Literature cited by the submitters: PubMed 36660029 (cited by Women's Health and Genetics/Laboratory Corporation of America, LabCorp).